The following is an entry in ClinVar:

ClinVar aggregate classification (germline): Uncertain significance. Review status: criteria provided, multiple submitters, no conflicts (2 of 4 stars). 2 submissions from 2 submitters: Uncertain significance (2). Last evaluated 2023-01-26.

Conditions:
Inborn genetic diseases. Identifiers: MedGen C0950123, MeSH D030342.

Allele frequency attached by ClinVar (database versions not stated): TOPMed below 0.00001; gnomAD 0.00001.

Submissions (2):

GeneDx
Classification: Uncertain significance. Last evaluated: 2023-01-26. Review status: criteria provided, single submitter. Criteria: GeneDx Variant Classification Process June 2021. Collection method: clinical testing. Allele origin: germline. Affected: yes.
Comment: Not observed at significant frequency in large population cohorts (gnomAD); In silico analysis supports that this missense variant has a deleterious effect on protein structure/function; Has not been previously published as pathogenic or benign to our knowledge

Ambry Genetics
Classification: Uncertain significance for Inborn genetic diseases. Last evaluated: 2022-04-07. Review status: criteria provided, single submitter. Criteria: Ambry Variant Classification Scheme 2023. Collection method: clinical testing. Allele origin: germline.

NM_006766.5(KAT6A):c.5764A>G (p.Met1922Val)

Gene: KAT6A (lysine acetyltransferase 6A; minus strand). Cytogenetic location: 8p11.21.
Variant type: single nucleotide variant.
Coding change: c.5764A>G on transcript NM_006766.5 (MANE Select); coding-DNA position 5764, A replaced by G.
Protein change: p.Met1922Val; replaces methionine 1922 with valine.
Molecular consequence: missense variant.
Genome position (GRCh38, 1-based): chr8:41,932,456, T>C on the plus strand (A>G on the coding strand, the complement: KAT6A is on the minus strand). VCF-style: chr8-41932456-T-C. GRCh37 (hg19) VCF-style: chr8-41789974-T-C.
Other names: short protein forms M1922V.
Identifiers: ClinVar variation 2281733 (VCV002281733.5), dbSNP rs1484128672, ClinGen allele CA371060442.
Genomic context (GRCh38, chr8:41,932,456, plus strand): 5'-AGGCAGGGTTACTATGGTAACTGCTGTTCATCATGGGCTGTGTCATTCGATAGCTGTTCA[T>C]GGCATTCAAGGTGTTCATATTCATGGAATTGACATTATAGGCGGGAGTAGGCATCAGATT-3'
Protein context (NP_006757.2, residues 1912-1932): NSMNMNTLNA[Met1922Val]NSYRMTQPMM